The following is an entry in ClinVar:

ClinVar aggregate classification (germline): Benign/Likely benign. Review status: criteria provided, multiple submitters, no conflicts (2 of 4 stars). 3 submissions from 3 submitters: Benign (1); Likely benign (2). Last evaluated 2019-05-28.

Conditions:
Warburg micro syndrome 3 (WARBM3). Also called: MICRO SYNDROME 3. Identifiers: Orphanet 2510, MedGen C3280203, MONDO:0013638, OMIM 614222.

Allele frequency attached by ClinVar (database versions not stated): gnomAD 0.00570 and 0.00616; 1000 Genomes Project 30x 0.00578; ExAC 0.00288; 1000 Genomes Project 0.00539; gnomAD exomes 0.00052 and 0.00130; TOPMed 0.00617.

Submissions (3):

GeneDx
Classification: Likely benign. Last evaluated: 2019-05-28. Review status: criteria provided, single submitter. Criteria: GeneDx Variant Classification Process June 2021. Collection method: clinical testing. Allele origin: germline. Affected: yes.

Illumina Laboratory Services, Illumina
Classification: Benign for Warburg micro syndrome 3. Last evaluated: 2018-01-13. Review status: criteria provided, single submitter. Criteria: ICSL Variant Classification Criteria 13 December 2019. Collection method: clinical testing. Allele origin: germline.
Comment: This variant was observed in the ICSL laboratory as part of a predisposition screen in an ostensibly healthy population. It had not been previously curated by ICSL or reported in the Human Gene Mutation Database (HGMD: prior to June 1st, 2018), and was therefore a candidate for classification through an automated scoring system. Utilizing variant allele frequency, disease prevalence and penetrance estimates, and inheritance mode, an automated score was calculated to assess if this variant is too frequent to cause the disease. Based on the score and internal cut-off values, a variant classified as benign is not then subjected to further curation. The score for this variant resulted in a classification of benign for this disease.

Breakthrough Genomics
Classification: Likely benign. Review status: criteria provided, single submitter. Criteria: ACMG Guidelines, 2015. Collection method: not provided. Allele origin: germline. Inheritance: Autosomal recessive inheritance. Affected: yes.

NM_021252.4(RAB18):c.-83C>A

Gene: RAB18 (RAB18, member RAS oncogene family; plus strand). Cytogenetic location: 10p12.1.
Variant type: single nucleotide variant.
Coding change: c.-83C>A on transcript NM_021252.4; 83 bases upstream of the start codon, C replaced by A.
Genome position (GRCh38, 1-based): chr10:27,504,287, C>A. VCF-style: chr10-27504287-C-A. GRCh37 (hg19) VCF-style: chr10-27793216-C-A.
Identifiers: ClinVar variation 299810 (VCV000299810.10), dbSNP rs115326586, ClinGen allele CA5452078.
Genomic context (GRCh38, chr10:27,504,287, plus strand): 5'-CCAGGGCTTCGGCAGCCTGAACACCCGGTGTGAAAGGAAGGTGGCAGACGTGGAGCGGCG[C>A]GCATGCGCAGCAGCTCACTCTGCTGAAGGGCTGAGAGGCGCACCCGGGCGGCCAGCTGGG-3'